The following is an entry in ClinVar:

ClinVar aggregate classification (germline): Uncertain significance. Review status: criteria provided, multiple submitters, no conflicts (2 of 4 stars). 2 submissions from 2 submitters: Uncertain significance (2). Last evaluated 2022-09-27.

Conditions:
Naxos disease (NXD). Also called: CARDIOMYOPATHY, ARRHYTHMOGENIC RIGHT VENTRICULAR, WITH SKIN, HAIR, AND NAIL ABNORMALITIES; PALMOPLANTAR KERATODERMA WITH ARRHYTHMOGENIC RIGHT VENTRICULAR CARDIOMYOPATHY AND WOOLLY HAIR; WOOLLY HAIR, PALMOPLANTAR KERATODERMA, AND CARDIAC ABNORMALITIES; KERATOSIS PALMOPLANTARIS WITH ARRHYTHMOGENIC CARDIOMYOPATHY; MAL DE NAXOS. Identifiers: Orphanet 34217, MedGen C1832600, MONDO:0011017, OMIM 601214.
Arrhythmogenic right ventricular dysplasia 12. Also called: ARRHYTHMOGENIC RIGHT VENTRICULAR DYSPLASIA, FAMILIAL, 12. Identifiers: MedGen C1969081, MONDO:0012684, OMIM 611528.

Allele frequency attached by ClinVar (database versions not stated): gnomAD exomes 0.00001.

Submissions (2):

Labcorp Genetics (formerly Invitae), Labcorp
Classification: Uncertain significance for Arrhythmogenic right ventricular dysplasia 12; Naxos disease. Last evaluated: 2022-09-27. Review status: criteria provided, single submitter. Criteria: Invitae Variant Classification Sherloc (09022015). Collection method: clinical testing. Allele origin: germline.
Comment: In summary, the available evidence is currently insufficient to determine the role of this variant in disease. Therefore, it has been classified as a Variant of Uncertain Significance. Algorithms developed to predict the effect of missense changes on protein structure and function (SIFT, PolyPhen-2, Align-GVGD) all suggest that this variant is likely to be tolerated. ClinVar contains an entry for this variant (Variation ID: 1444254). This variant has not been reported in the literature in individuals affected with JUP-related conditions. This variant is not present in population databases (gnomAD no frequency). This sequence change replaces alanine, which is neutral and non-polar, with aspartic acid, which is acidic and polar, at codon 48 of the JUP protein (p.Ala48Asp).

Fulgent Genetics
Classification: Uncertain significance for Naxos disease; Arrhythmogenic right ventricular dysplasia 12. Last evaluated: 2021-08-23. Review status: criteria provided, single submitter. Criteria: ACMG Guidelines, 2015. Collection method: clinical testing. Allele origin: unknown.

NM_002230.4(JUP):c.143C>A (p.Ala48Asp)

Gene: JUP (junction plakoglobin; minus strand). Cytogenetic location: 17q21.2.
Variant type: single nucleotide variant.
Coding change: c.143C>A on transcript NM_002230.4 (MANE Select); coding-DNA position 143, C replaced by A.
Protein change: p.Ala48Asp; replaces alanine 48 with aspartic acid.
Molecular consequence: missense variant.
Genome position (GRCh38, 1-based): chr17:41,771,712, G>T on the plus strand (C>A on the coding strand, the complement: JUP is on the minus strand). VCF-style: chr17-41771712-G-T. GRCh37 (hg19) VCF-style: chr17-39927964-G-T.
Other names: c.143C>A, p.Ala48Asp (NM_001352773.2, NM_001352774.2, NM_001352775.2 and 3 more transcripts); short protein forms A48D.
Identifiers: ClinVar variation 1444254 (VCV001444254.7), dbSNP rs2143735114, ClinGen allele CA399506814.
Genomic context (GRCh38, chr17:41,771,712, plus strand): 5'-CTGGGGGGCACCCCCTGGGTGTAAGTGGTGGTTTTCTTGAGCGTGTACTGGCGCCCGCAG[G>T]CCTCATCCTCCTCCATGATGCCCTTGCTGCTGACGGAGGGCACGCAGGTGTTGGCGCCCG-3'
Protein context (NP_002221.1, residues 38-58): SSKGIMEEDE[Ala48Asp]CGRQYTLKKT